The following is an entry in ClinVar:

NM_004366.6(CLCN2):c.1493G>T (p.Gly498Val)

Gene: CLCN2 (chloride voltage-gated channel 2; minus strand). Cytogenetic location: 3q27.1.
Variant type: single nucleotide variant.
Coding change: c.1493G>T on transcript NM_004366.6 (MANE Select); coding-DNA position 1493, G replaced by T.
Protein change: p.Gly498Val; replaces glycine 498 with valine.
Molecular consequence: missense variant.
Genome position (GRCh38, 1-based): chr3:184,354,562, C>A on the plus strand (G>T on the coding strand, the complement: CLCN2 is on the minus strand). VCF-style: chr3-184354562-C-A. GRCh37 (hg19) VCF-style: chr3-184072350-C-A.
Other names: c.1442G>T, p.Gly481Val (NM_001171087.3); c.1361G>T, p.Gly454Val (NM_001171088.3); c.1493G>T, p.Gly498Val (NM_001171089.3); short protein forms G498V, G454V, G481V.
Identifiers: ClinVar variation 2067977 (VCV002067977.4), dbSNP rs765755134, ClinGen allele CA88895058.

ClinVar aggregate classification (germline): Uncertain significance (1 of 4 stars; one submission).

gnomAD v4.1: 14 of 1,612,672 alleles (0.00087%); highest among the groups gnomAD compares: African/African-American, 0.011%; no homozygotes.

Submission:

Labcorp Genetics (formerly Invitae), Labcorp
Classification: Uncertain significance. Last evaluated: 2025-06-12. Review status: criteria provided, single submitter. Criteria: Invitae Variant Classification Sherloc (09022015). Collection method: clinical testing. Allele origin: germline.
Comment: This sequence change replaces glycine, which is neutral and non-polar, with valine, which is neutral and non-polar, at codon 498 of the CLCN2 protein (p.Gly498Val). This variant is present in population databases (no rsID available, gnomAD 0.03%). This variant has not been reported in the literature in individuals affected with CLCN2-related conditions. ClinVar contains an entry for this variant (Variation ID: 2067977). Invitae Evidence Modeling of protein sequence and biophysical properties (such as structural, functional, and spatial information, amino acid conservation, physicochemical variation, residue mobility, and thermodynamic stability) indicates that this missense variant is not expected to disrupt CLCN2 protein function with a negative predictive value of 80%. In summary, the available evidence is currently insufficient to determine the role of this variant in disease. Therefore, it has been classified as a Variant of Uncertain Significance.